The following is an entry in ClinVar:

ClinVar aggregate classification (germline): Conflicting classifications of pathogenicity. Review status: criteria provided, conflicting classifications (1 of 4 stars). 4 submissions from 4 submitters: Uncertain significance (1); Likely benign (3). Last evaluated 2025-12-08.

Conditions:
Nephronophthisis. Also called: Juvenile Nephronophthisis. Identifiers: Orphanet 655, MedGen C0687120, MONDO:0019005, HP:0000090.
Bardet-Biedl syndrome (BBS). Identifiers: Orphanet 110, MedGen C0752166, MONDO:0015229.

Allele frequency attached by ClinVar (database versions not stated): gnomAD 0.00001 and 0.00018; TOPMed 0.00003; gnomAD exomes 0.00041 and 0.00088; ExAC 0.00099; 1000 Genomes Project 0.00180.
gnomAD v4.1: 635 of 1,610,666 alleles (0.039%); highest among the groups gnomAD compares: South Asian, 0.65%; 7 homozygotes.

Submissions (4):

Labcorp Genetics (formerly Invitae), Labcorp
Classification: Likely benign for Nephronophthisis. Last evaluated: 2025-12-08. Review status: criteria provided, single submitter. Criteria: Invitae Variant Classification Sherloc (09022015). Collection method: clinical testing. Allele origin: germline.

Blueprint Genetics
Classification: Likely benign. Last evaluated: 2024-11-11. Review status: criteria provided, single submitter. Criteria: ACMG Guidelines, 2015. Collection method: clinical testing. Allele origin: germline.

SN ONGC Dept of Genetics and Molecular biology Vision Research Foundation
Classification: Uncertain significance for Bardet-Biedl syndrome. Last evaluated: 2023-06-02. Review status: criteria provided, single submitter. Criteria: ACMG Guidelines, 2015. Collection method: research. Allele origin: unknown. Affected: yes. Observed: 1 heterozygote.
Comment: This variant was observed in digenic inheritance with the variant NC_000020.10:g.10389403C>T.

Eurofins Ntd Llc (ga)
Classification: Likely benign. Last evaluated: 2017-07-26. Review status: criteria provided, single submitter. Criteria: EGL Classification Definitions 2015. Collection method: clinical testing. Allele origin: germline. Observed: 2 variant alleles, 2 heterozygotes.

NM_015102.5(NPHP4):c.3454C>T (p.Pro1152Ser)

Gene: NPHP4 (nephrocystin 4; minus strand). Cytogenetic location: 1p36.31.
Variant type: single nucleotide variant.
Coding change: c.3454C>T on transcript NM_015102.5 (MANE Select); coding-DNA position 3454, C replaced by T.
Protein change: p.Pro1152Ser; replaces proline 1152 with serine.
Molecular consequence: missense variant. On other transcripts: non-coding transcript variant (1).
Genome position (GRCh38, 1-based): chr1:5,867,758, G>A on the plus strand (C>T on the coding strand, the complement: NPHP4 is on the minus strand). VCF-style: chr1-5867758-G-A. GRCh37 (hg19) VCF-style: chr1-5927818-G-A.
Other names: c.1915C>T, p.Pro639Ser (NM_001291593.2); c.1918C>T, p.Pro640Ser (NM_001291594.2); short protein forms P1152S, P640S, P639S.
Identifiers: ClinVar variation 195828 (VCV000195828.18), dbSNP rs560329867, ClinGen allele CA242462.